The following is an entry in ClinVar:

NM_002878.4(RAD51D):c.480+1G>A

Genes: RAD51D (RAD51 paralog D; minus strand), RAD51L3-RFFL (RAD51L3-RFFL readthrough; minus strand). Cytogenetic location: 17q12.
Variant type: single nucleotide variant.
Coding change: c.480+1G>A on transcript NM_002878.4 (MANE Select); the canonical splice donor site of the intron after coding-DNA position 480, G replaced by A.
Molecular consequence: splice donor variant. On other transcripts: intron variant (1).
Genome position (GRCh38, 1-based): chr17:35,106,987, C>T on the plus strand (G>A on the coding strand, the complement: RAD51D is on the minus strand). VCF-style: chr17-35106987-C-T. GRCh37 (hg19) VCF-style: chr17-33434006-C-T.
Other names: RAD51D, NT480, G-A, +1; c.145-506G>A (NM_133629.3); c.540+1G>A (NM_001142571.2).
Identifiers: ClinVar variation 30286 (VCV000030286.16), dbSNP rs1597862471, ClinGen allele CA399089136.

ClinVar aggregate classification (germline): Conflicting classifications of pathogenicity. Review status: criteria provided, conflicting classifications (1 of 4 stars). 6 submissions from 6 submitters: Likely pathogenic (2); Uncertain significance (1). 3 of the submissions do not count toward it. Last evaluated 2026-03-24.

Conditions:
Hereditary cancer-predisposing syndrome. Also called: Hereditary neoplastic syndrome; Neoplastic Syndromes, Hereditary; Hereditary Cancer Syndrome; Tumor predisposition. Identifiers: Orphanet 140162, MedGen C0027672, MeSH D009386, MONDO:0015356.
Breast-ovarian cancer, familial, susceptibility to, 4. Identifiers: Orphanet 145, MedGen C3280345, MONDO:0013669, OMIM 614291.
Familial cancer of breast. Also called: Hereditary breast cancer; hereditary breast carcinoma; BREAST CANCER, FAMILIAL. Identifiers: Orphanet 227535, MedGen C0346153, MONDO:0016419, OMIM 114480. Disease mechanism: loss of function.
Ovarian carcinoma. Identifiers: MedGen C4721610, MONDO:0005140, HP:0025318.

gnomAD v4.1: 1 of 1,614,212 alleles (0.000062%); highest among the groups gnomAD compares: Non-Finnish European, 0.000085%; no homozygotes.

Submissions (6):

Ambry Genetics
Classification: Uncertain significance for Hereditary cancer-predisposing syndrome. Last evaluated: 2026-03-24. Review status: criteria provided, single submitter. Criteria: Ambry Variant Classification Scheme 2023. Collection method: clinical testing. Allele origin: germline.
Comment: The c.480+1G>A intronic variant results from a G to A substitution one nucleotide after coding exon 5 of the RAD51D gene. Variants that disrupt the canonical splice site are expected to cause aberrant splicing, resulting in an abnormal protein or a transcript that is subject to nonsense-mediated mRNA decay. In silico splice site analysis predicts that this alteration will weaken the native splice donor site. A resulting transcript is predicted to be in-frame and is not expected to trigger nonsense-mediated mRNA decay; although, direct evidence is insufficient at this time (Ambry internal data). RNA studies have demonstrated that this variant results in an splice defect involving exons excluded from naturally occurring transcripts; the clinical impact of this abnormal splicing is unknown at this time (Bueno-Mart&iacute;nez E et al. Cancers (Basel), 2021 Jun;13:). This nucleotide position is highly conserved in available vertebrate species. Based on the available evidence, the clinical significance of this variant remains unclear.

Labcorp Genetics (formerly Invitae), Labcorp
Classification: Likely pathogenic for Breast-ovarian cancer, familial, susceptibility to, 4. Last evaluated: 2023-09-11. Review status: criteria provided, single submitter. Criteria: Invitae Variant Classification Sherloc (09022015). Collection method: clinical testing. Allele origin: germline.
Comment: In summary, the currently available evidence indicates that the variant is pathogenic, but additional data are needed to prove that conclusively. Therefore, this variant has been classified as Likely Pathogenic. Studies have shown that disruption of this splice site is associated with altered splicing resulting in multiple RNA products (PMID: 34200360). ClinVar contains an entry for this variant (Variation ID: 30286). Disruption of this splice site has been observed in individual(s) with breast cancer (PMID: 21822267, 32107557). This variant is not present in population databases (gnomAD no frequency). This sequence change affects a donor splice site in intron 5 of the RAD51D gene. It is expected to disrupt RNA splicing. Variants that disrupt the donor or acceptor splice site typically lead to a loss of protein function (PMID: 16199547), and loss-of-function variants in RAD51D are known to be pathogenic (PMID: 21822267).

Color Diagnostics, LLC DBA Color Health
Classification: Likely pathogenic for Hereditary cancer-predisposing syndrome. Last evaluated: 2023-05-18. Review status: criteria provided, single submitter. Criteria: ACMG Guidelines, 2015. Collection method: clinical testing. Allele origin: germline.
Comment: This variant causes a G to A nucleotide substitution at the +1 position of intron 5 of the RAD51D gene. Splice site prediction tools predict that this variant may have a significant impact on RNA splicing. An RNA study showed a minigene construct with this variant yielded transcripts with in-frame skipping of exon 5 and exons 4-5, transcripts with out-of-frame skipping of exons 3-5, and no full length transcript (PMID: 34200360). This variant has been reported in at least two individuals affected with breast cancer (PMID: 21822267, 35261632) and an individual with a personal and/or family history of tubo-ovarian carcinoma and/or breast cancer (PMID: 32107557). This variant has not been identified in the general population by the Genome Aggregation Database (gnomAD). Loss of RAD51D function is a known mechanism of disease. Based on the available evidence, this variant is classified as Likely Pathogenic.

Medical Genetics Laboratory, Umraniye Training and Research Hospital, University of Health Sciences
Classification: Pathogenic for Ovarian carcinoma. Last evaluated: 2021-09-13. Review status: no assertion criteria provided. Collection method: clinical testing. Allele origin: germline. Inheritance: Autosomal dominant inheritance. Affected: yes. Observed: 1 heterozygote. Not counted in ClinVar's aggregate classification.

OMIM
Classification: risk factor for BREAST-OVARIAN CANCER, FAMILIAL, SUSCEPTIBILITY TO, 4. Last evaluated: 2011-08-07. Review status: no assertion criteria provided. Collection method: literature only. Allele origin: germline. Not counted in ClinVar's aggregate classification.

Department of Medical Genetics, Istanbul Demiroglu Bilim University Medical School
Classification: Pathogenic for Familial cancer of breast. Review status: no assertion criteria provided. Collection method: clinical testing. Allele origin: de novo. Inheritance: Autosomal dominant inheritance. Affected: yes. Observed: 1 heterozygote. Not counted in ClinVar's aggregate classification.

Literature cited by the submitters: PubMed 21822267 (cited by 5 submitters); PubMed 32107557 (cited by 3 submitters); PubMed 34200360 (cited by 3 submitters); PubMed 16199547 (cited by Labcorp Genetics (formerly Invitae), Labcorp); PubMed 35261632 (cited by Color Diagnostics, LLC DBA Color Health).